The following is an entry in ClinVar:

NC_012920.1(MT-TR):m.10408T>C

Gene: MT-TR (mitochondrially encoded tRNA arginine; plus strand).
Variant type: single nucleotide variant.
Genome position: chrM-10408-T-C.
Identifiers: ClinVar variation 690113 (VCV000690113.1), dbSNP rs1603222827, ClinGen allele CA913163112.

ClinVar aggregate classification (germline): Uncertain significance. Review status: reviewed by expert panel (3 of 4 stars). 2 submissions from 2 submitters: Uncertain significance (1). 1 of the submissions does not count toward it. Last evaluated 2024-12-09.

Conditions:
Mitochondrial disease. Also called: Mitochondrial disorder; Mitochondrial disorders. Identifiers: Orphanet 68380, MedGen C0751651, MeSH D028361, MONDO:0044970.
MELAS syndrome (MELAS). Also called: Juvenile myopathy, encephalopathy, lactic acidosis, stroke. Identifiers: Orphanet 550, MedGen C0162671, MONDO:0010789, OMIM 540000.

Submissions (2):

ClinGen Mitochondrial Disease Nuclear and Mitochondrial  Variant Curation Expert Panel, ClinGen
Classification: Uncertain significance for Mitochondrial disease. Last evaluated: 2024-12-09. Review status: reviewed by expert panel. Criteria: clingen mito disease acmg specifications v1-1. Collection method: curation. Allele origin: germline. Inheritance: Mitochondrial inheritance.
Comment: The m.10408T>C variant in MT-TR has been reported in one individual with primary mitochondrial disease to date however clinical details were not provided (PMID: 31965079). There are no reports of large families with this variant segregating with disease. There are no reported de novo occurrences of this variant to our knowledge. This variant is absent in the GenBank dataset, Helix dataset, and gnomAD v3.1.2 (PM2_supporting). The computational predictor MitoTIP suggests this variant is pathogenic (64.3 percentile; PP3). There are no cybrids, single fiber studies, or other functional assays reported on this variant. In summary, this variant meets criteria to be classified as uncertain significance for primary mitochondrial disease inherited in a mitochondrial manner. This classification was approved by the NICHD/NINDS U24 ClinGen Mitochondrial Disease Variant Curation Expert Panel on December 9, 2024. Mitochondrial DNA-specific ACMG/AMP criteria applied (PMID: 32906214): PM2_supporting, PP3.

Wong Mito Lab, Molecular and Human Genetics, Baylor College of Medicine
Classification: Likely pathogenic for MELAS syndrome. Last evaluated: 2019-07-12. Review status: criteria provided, single submitter. Criteria: Modified ACMG Guidelines (Unpublished). Collection method: clinical testing. Allele origin: germline. Not counted in ClinVar's aggregate classification.
Comment: The NC_012920.1:m.10408T>C variant in MT-TR gene is interpreted to be a Likely Pathogenic variant based on the modified ACMG guidelines (unpublished). This variant meets the following evidence codes reported in the guidelines: PM8, PM10, PP3, PP6, PP7

Literature cited by the submitters: PubMed 31965079 (cited by Wong Mito Lab, Molecular and Human Genetics, Baylor College of Medicine); PubMed 17588757 (cited by Wong Mito Lab, Molecular and Human Genetics, Baylor College of Medicine).